The following is an entry in ClinVar:

NM_007215.4(POLG2):c.514G>A (p.Glu172Lys)

Genes: MILR1 (mast cell immunoglobulin like receptor 1; plus strand), POLG2 (DNA polymerase gamma 2, accessory subunit; minus strand). Cytogenetic location: 17q23.3.
Variant type: single nucleotide variant.
Coding change: c.514G>A on transcript NM_007215.4 (MANE Select); coding-DNA position 514, G replaced by A.
Protein change: p.Glu172Lys; replaces glutamic acid 172 with lysine.
Molecular consequence: missense variant.
Genome position (GRCh38, 1-based): chr17:64,496,455, C>T on the plus strand (G>A on the coding strand, the complement: POLG2 is on the minus strand). VCF-style: chr17-64496455-C-T. GRCh37 (hg19) VCF-style: chr17-62492573-C-T.
Other names: short protein forms E172K.
Identifiers: ClinVar variation 3378206 (VCV003378206.3).

ClinVar aggregate classification (germline): Uncertain significance. Review status: criteria provided, multiple submitters, no conflicts (2 of 4 stars). 2 submissions from 2 submitters: Uncertain significance (2). Last evaluated 2024-07-17.

Submissions (2):

Labcorp Genetics (formerly Invitae), Labcorp
Classification: Uncertain significance. Last evaluated: 2024-07-17. Review status: criteria provided, single submitter. Criteria: Invitae Variant Classification Sherloc (09022015). Collection method: clinical testing. Allele origin: germline.
Comment: This sequence change replaces glutamic acid, which is acidic and polar, with lysine, which is basic and polar, at codon 172 of the POLG2 protein (p.Glu172Lys). This variant is not present in population databases (gnomAD no frequency). This variant has not been reported in the literature in individuals affected with POLG2-related conditions. An algorithm developed to predict the effect of missense changes on protein structure and function (PolyPhen-2) suggests that this variant is likely to be tolerated. In summary, the available evidence is currently insufficient to determine the role of this variant in disease. Therefore, it has been classified as a Variant of Uncertain Significance.

GeneDx
Classification: Uncertain significance. Last evaluated: 2024-05-13. Review status: criteria provided, single submitter. Criteria: GeneDx Variant Classification Process June 2021. Collection method: clinical testing. Allele origin: germline. Affected: yes.
Comment: Not observed at significant frequency in large population cohorts (gnomAD); In silico analysis indicates that this missense variant does not alter protein structure/function; Has not been previously published as pathogenic or benign to our knowledge